The following is an entry in ClinVar:

ClinVar aggregate classification (germline): Benign. Review status: criteria provided, multiple submitters, no conflicts (2 of 4 stars). 3 submissions from 3 submitters: Benign (2). 1 of the submissions does not count toward it. Last evaluated 2018-05-14.

Conditions:
SLC7A5-related disorder. Also called: SLC7A5-related condition.

Allele frequency attached by ClinVar (database versions not stated): gnomAD exomes 0.00033 and 0.00087; ExAC 0.00112; 1000 Genomes Project 0.00339; 1000 Genomes Project 30x 0.00344; gnomAD 0.00355 and 0.00376; ESP Exome Variant Server 0.00369; TOPMed 0.00382.
gnomAD v4.1: 1,052 of 1,613,164 alleles (0.065%); highest among the groups gnomAD compares: African/African-American, 1.2%; 6 homozygotes.

Submissions (3):

Labcorp Genetics (formerly Invitae), Labcorp
Classification: Benign. Last evaluated: 2018-05-14. Review status: criteria provided, single submitter. Criteria: Invitae Variant Classification Sherloc (09022015). Collection method: clinical testing. Allele origin: germline.

Breakthrough Genomics
Classification: Benign. Review status: criteria provided, single submitter. Criteria: ACMG Guidelines, 2015. Collection method: not provided. Allele origin: germline. Inheritance: Unknown mechanism. Affected: yes.

PreventionGenetics, part of Exact Sciences
Classification: Benign for SLC7A5-related condition. Last evaluated: 2019-11-07. Review status: no assertion criteria provided. Collection method: clinical testing. Allele origin: germline. Not counted in ClinVar's aggregate classification.
Comment: This variant is classified as benign based on ACMG/AMP sequence variant interpretation guidelines (Richards et al. 2015 PMID: 25741868, with internal and published modifications).

NM_003486.7(SLC7A5):c.597C>T (p.Ala199=)

Gene: SLC7A5 (solute carrier family 7 member 5; minus strand). Cytogenetic location: 16q24.2.
Variant type: single nucleotide variant.
Coding change: c.597C>T on transcript NM_003486.7 (MANE Select); coding-DNA position 597, C replaced by T.
Protein change: p.Ala199=; no amino-acid change (alanine 199 retained).
Molecular consequence: synonymous variant.
Genome position (GRCh38, 1-based): chr16:87,851,791, G>A on the plus strand (C>T on the coding strand, the complement: SLC7A5 is on the minus strand). VCF-style: chr16-87851791-G-A. GRCh37 (hg19) VCF-style: chr16-87885397-G-A.
Identifiers: ClinVar variation 730064 (VCV000730064.6), dbSNP rs33938662, ClinGen allele CA8223014.